The following is an entry in ClinVar:

ClinVar aggregate classification (germline): Uncertain significance (1 of 4 stars; one submission).

Conditions:
Hypertrophic cardiomyopathy 10. Also called: CARDIOMYOPATHY, HYPERTROPHIC, MID-LEFT VENTRICULAR CHAMBER TYPE, 2; MYL2-Related Familial Hypertrophic Cardiomyopathy. Identifiers: MedGen C1834460, MONDO:0012112, OMIM 608758.

Submission:

Labcorp Genetics (formerly Invitae), Labcorp
Classification: Uncertain significance for Hypertrophic cardiomyopathy 10. Last evaluated: 2024-07-18. Review status: criteria provided, single submitter. Criteria: Invitae Variant Classification Sherloc (09022015). Collection method: clinical testing. Allele origin: germline.
Comment: This sequence change replaces alanine, which is neutral and non-polar, with valine, which is neutral and non-polar, at codon 32 of the MYL2 protein (p.Ala32Val). This variant is not present in population databases (gnomAD no frequency). This missense change has been observed in individual(s) with clinical features of MYL2-related conditions (PMID: 32600061). An algorithm developed to predict the effect of missense changes on protein structure and function (PolyPhen-2) suggests that this variant is likely to be tolerated. In summary, the available evidence is currently insufficient to determine the role of this variant in disease. Therefore, it has been classified as a Variant of Uncertain Significance.

Literature cited by the submitters: PubMed 32600061.

NM_000432.4(MYL2):c.95C>T (p.Ala32Val)

Gene: MYL2 (myosin light chain 2; minus strand). Cytogenetic location: 12q24.11.
Variant type: single nucleotide variant.
Coding change: c.95C>T on transcript NM_000432.4 (MANE Select); coding-DNA position 95, C replaced by T.
Protein change: p.Ala32Val; replaces alanine 32 with valine.
Molecular consequence: missense variant. On other transcripts: intron variant (1).
Genome position (GRCh38, 1-based): chr12:110,915,789, G>A on the plus strand (C>T on the coding strand, the complement: MYL2 is on the minus strand). VCF-style: chr12-110915789-G-A. GRCh37 (hg19) VCF-style: chr12-111353593-G-A.
Other names: c.38C>T, p.Ala13Val (NM_001406916.1); c.94-1465C>T (NM_001406745.1); short protein forms A32V, A13V.
Identifiers: ClinVar variation 3677116 (VCV003677116.2).